The following is an entry in ClinVar:

ClinVar aggregate classification (germline): Uncertain significance (1 of 4 stars; one submission).

Conditions:
RASopathy. Also called: Noonan spectrum disorder; rasopathies. Identifiers: Orphanet 536391, MedGen C5555857, MONDO:0021060.

Submission:

Labcorp Genetics (formerly Invitae), Labcorp
Classification: Uncertain significance for RASopathy. Last evaluated: 2024-02-16. Review status: criteria provided, single submitter. Criteria: Invitae Variant Classification Sherloc (09022015). Collection method: clinical testing. Allele origin: germline.
Comment: This sequence change replaces histidine, which is basic and polar, with arginine, which is basic and polar, at codon 520 of the PTPN11 protein (p.His520Arg). This variant is not present in population databases (gnomAD no frequency). This variant has not been reported in the literature in individuals affected with PTPN11-related conditions. Advanced modeling of protein sequence and biophysical properties (such as structural, functional, and spatial information, amino acid conservation, physicochemical variation, residue mobility, and thermodynamic stability) performed at Invitae indicates that this missense variant is expected to disrupt PTPN11 protein function with a positive predictive value of 95%. In summary, the available evidence is currently insufficient to determine the role of this variant in disease. Therefore, it has been classified as a Variant of Uncertain Significance.

NM_002834.5(PTPN11):c.1559A>G (p.His520Arg)

Gene: PTPN11 (protein tyrosine phosphatase non-receptor type 11; plus strand). Cytogenetic location: 12q24.13.
Variant type: single nucleotide variant.
Coding change: c.1559A>G on transcript NM_002834.5 (MANE Select); coding-DNA position 1559, A replaced by G.
Protein change: p.His520Arg; replaces histidine 520 with arginine.
Molecular consequence: missense variant.
Genome position (GRCh38, 1-based): chr12:112,489,135, A>G. VCF-style: chr12-112489135-A-G. GRCh37 (hg19) VCF-style: chr12-112926939-A-G.
Other names: c.1571A>G, p.His524Arg (NM_001330437.2); c.1556A>G, p.His519Arg (NM_001374625.1); short protein forms H520R, H524R, H519R.
Identifiers: ClinVar variation 3637669 (VCV003637669.2).
Genomic context (GRCh38, chr12:112,489,135, plus strand): 5'-AGAGGTCAGGGATGGTCCAGACAGAAGCACAGTACCGATTTATCTATATGGCGGTCCAGC[A>G]TTATATTGAAACACTACAGCGCAGGATTGAAGAAGAGCAGGTACCAGCCTGAGGGCTGGC-3'
Protein context (NP_002825.3, residues 510-530): QYRFIYMAVQ[His520Arg]YIETLQRRIE